The following is an entry in ClinVar:

NM_006648.4(WNK2):c.874G>T (p.Val292Leu)

Gene: WNK2 (WNK lysine deficient protein kinase 2; plus strand). Cytogenetic location: 9q22.31.
Variant type: single nucleotide variant.
Coding change: c.874G>T on transcript NM_006648.4 (MANE Select); coding-DNA position 874, G replaced by T.
Protein change: p.Val292Leu; replaces valine 292 with leucine.
Molecular consequence: missense variant.
Genome position (GRCh38, 1-based): chr9:93,230,907, G>T. VCF-style: chr9-93230907-G-T. GRCh37 (hg19) VCF-style: chr9-95993189-G-T.
Other names: c.874G>T, p.Val292Leu (NM_001282394.3); short protein forms V292L.
Identifiers: ClinVar variation 3470718 (VCV003470718.1).

ClinVar aggregate classification (germline): Uncertain significance (1 of 4 stars; one submission).

Submission:

Ambry Genetics
Classification: Uncertain significance. Last evaluated: 2024-12-10. Review status: criteria provided, single submitter. Criteria: Ambry Variant Classification Scheme 2023. Collection method: clinical testing. Allele origin: germline.
Comment: The p.V292L variant (also known as c.874G>T), located in coding exon 3 of the WNK2 gene, results from a G to T substitution at nucleotide position 874. The valine at codon 292 is replaced by leucine, an amino acid with highly similar properties. This amino acid position is conserved. In addition, this alteration is predicted to be tolerated by in silico analysis. Based on the available evidence, the clinical significance of this variant remains unclear.